The following is an entry in ClinVar:

ClinVar aggregate classification (germline): Uncertain significance (1 of 4 stars; one submission).

Conditions:
Combined oxidative phosphorylation defect type 27. Also called: Combined oxidative phosphorylation deficiency 27. Identifiers: Orphanet 477774, MedGen C5567608, MONDO:0014728, OMIM 616672.

Submission:

Labcorp Genetics (formerly Invitae), Labcorp
Classification: Uncertain significance for Combined oxidative phosphorylation defect type 27. Last evaluated: 2022-01-18. Review status: criteria provided, single submitter. Criteria: Invitae Variant Classification Sherloc (09022015). Collection method: clinical testing. Allele origin: germline.
Comment: This sequence change replaces proline, which is neutral and non-polar, with threonine, which is neutral and polar, at codon 45 of the CARS2 protein (p.Pro45Thr). This variant is not present in population databases (gnomAD no frequency). This variant has not been reported in the literature in individuals affected with CARS2-related conditions. Algorithms developed to predict the effect of missense changes on protein structure and function are either unavailable or do not agree on the potential impact of this missense change (SIFT: "Deleterious"; PolyPhen-2: "Probably Damaging"; Align-GVGD: "Class C0"). In summary, the available evidence is currently insufficient to determine the role of this variant in disease. Therefore, it has been classified as a Variant of Uncertain Significance.

NM_024537.4(CARS2):c.133C>A (p.Pro45Thr)

Genes: CARS2 (cysteinyl-tRNA synthetase 2, mitochondrial; minus strand), LOC130010127 (ATAC-STARR-seq lymphoblastoid silent region 5509; plus strand). Cytogenetic location: 13q34.
Variant type: single nucleotide variant.
Coding change: c.133C>A on transcript NM_024537.4 (MANE Select); coding-DNA position 133, C replaced by A.
Protein change: p.Pro45Thr; replaces proline 45 with threonine.
Molecular consequence: missense variant. On other transcripts: non-coding transcript variant (1), intron variant (1).
Genome position (GRCh38, 1-based): chr13:110,705,961, G>T on the plus strand (C>A on the coding strand, the complement: CARS2 is on the minus strand). VCF-style: chr13-110705961-G-T. GRCh37 (hg19) VCF-style: chr13-111358308-G-T.
Other names: c.133C>A, p.Pro45Thr (NM_001352253.3); c.-775-390C>A (NM_001352252.2); short protein forms P45T.
Identifiers: ClinVar variation 2087652 (VCV002087652.4), dbSNP rs2502282655, ClinGen allele CA388743258.
Genomic context (GRCh38, chr13:110,705,961, plus strand): 5'-GGGGTTCCTTCCTCCCGGTGAGGCTGTTGTACACCTGCACACCCGTCTCCCGGCCCGTGG[G>T]CTGCAGCCAGGCCCGCCCGCGCCCCCCGCTCGCCGCCCGGCCCGCAGGCCAGTGCCACCC-3'
Protein context (NP_078813.1, residues 35-55): SGGRGRAWLQ[Pro45Thr]TGRETGVQVY